The following is an entry in ClinVar:

ClinVar aggregate classification (germline): Uncertain significance (0 of 4 stars; one submission).

Conditions:
Fanconi anemia complementation group A (FANCA). Also called: Fanconi anemia, group A; FANCA-Related Fanconi Anemia. Identifiers: Orphanet 84, MedGen C3469521, MONDO:0009215, OMIM 227650.

Submission:

Leiden Open Variation Database
Classification: Uncertain significance for Fanconi anemia complementation group A. Last evaluated: 2020-02-28. Review status: no assertion criteria provided. Collection method: curation. Allele origin: germline. Affected: yes.
Comment: Curator: Arleen D. Auerbach. Submitter to LOVD: Arleen D. Auerbach.

NC_000016.10:g.(?_89737551)_(89758706_89761948)del

Genes: FANCA (FA complementation group A; minus strand), ZNF276 (zinc finger protein 276; plus strand). Cytogenetic location: 16q24.3.
Variant type: Deletion.
Identifiers: ClinVar variation 974147 (VCV000974147.1).